The following is an entry in ClinVar:

ClinVar aggregate classification (germline): Uncertain significance (1 of 4 stars; one submission).

Submission:

CeGaT Center for Human Genetics Tuebingen
Classification: Uncertain significance. Last evaluated: 2022-08-01. Review status: criteria provided, single submitter. Criteria: CeGaT Center For Human Genetics Tuebingen Variant Classification Criteria Version 2. Collection method: clinical testing. Allele origin: germline. Affected: yes. Observed: 1 variant allele.
Comment: ARID1B: PM2

NM_001374828.1(ARID1B):c.2174C>T (p.Pro725Leu)

Gene: ARID1B (AT-rich interaction domain 1B; plus strand). Cytogenetic location: 6q25.3.
Variant type: single nucleotide variant.
Coding change: c.2174C>T on transcript NM_001374828.1 (MANE Select); coding-DNA position 2174, C replaced by T.
Protein change: p.Pro725Leu; replaces proline 725 with leucine.
Molecular consequence: missense variant.
Genome position (GRCh38, 1-based): chr6:156,935,503, C>T. VCF-style: chr6-156935503-C-T. GRCh37 (hg19) VCF-style: chr6-157256637-C-T.
Other names: c.1925C>T, p.Pro642Leu (NM_001346813.1); c.2213C>T, p.Pro738Leu (NM_001371656.1, NM_001374820.1); c.2174C>T, p.Pro725Leu (NM_017519.3); c.1964C>T, p.Pro655Leu (NM_020732.3); c.1751C>T, p.Pro584Leu (NM_175863.2); short protein forms P584L, P642L, P655L, P725L, P738L.
Identifiers: ClinVar variation 1711648 (VCV001711648.30), dbSNP rs765810222, ClinGen allele CA366380417.
Genomic context (GRCh38, chr6:156,935,503, plus strand): 5'-TTTGTGTTTGTGTTTTTTTTTAGGACATGTCTCAGGAAGGCTATGGAACTAGATCTCAAC[C>T]TCCTCTGGCCCCCGGAAAACCTAACCATGAAGACTTGAACTTAATACAGCAAGAAAGACC-3'
Protein context (NP_001361757.1, residues 715-735): SQEGYGTRSQ[Pro725Leu]PLAPGKPNHE